The following is an entry in ClinVar:

ClinVar aggregate classification (germline): Conflicting classifications of pathogenicity. Review status: criteria provided, conflicting classifications (1 of 4 stars). 2 submissions from 2 submitters: Uncertain significance (1); Likely benign (1). Last evaluated 2024-10-26.

Conditions:
ARID5A-related disorder. Also called: ARID5A-related condition.

Allele frequency attached by ClinVar (database versions not stated): TOPMed below 0.00001; ExAC 0.00002; gnomAD exomes 0.00004; ESP Exome Variant Server 0.00008.

Submissions (2):

Ambry Genetics
Classification: Likely benign. Last evaluated: 2024-10-26. Review status: criteria provided, single submitter. Criteria: Ambry Variant Classification Scheme 2023. Collection method: clinical testing. Allele origin: germline.

PreventionGenetics, part of Exact Sciences
Classification: Uncertain significance for ARID5A-related condition. Last evaluated: 2023-02-25. Review status: criteria provided, single submitter. Criteria: ACMG Guidelines, 2015. Collection method: clinical testing. Allele origin: germline.
Comment: The ARID5A c.1457C>T variant is predicted to result in the amino acid substitution p.Pro486Leu. To our knowledge, this variant has not been reported in the literature. This variant is reported in 0.0038% of alleles in individuals of European (Non-Finnish) descent in gnomAD. At this time, the clinical significance of this variant is uncertain due to the absence of conclusive functional and genetic evidence.

NM_212481.3(ARID5A):c.1295C>T (p.Pro432Leu)

Gene: ARID5A (AT-rich interaction domain 5A; plus strand). Cytogenetic location: 2q11.2.
Variant type: single nucleotide variant.
Coding change: c.1295C>T on transcript NM_212481.3 (MANE Select); coding-DNA position 1295, C replaced by T.
Protein change: p.Pro432Leu; replaces proline 432 with leucine.
Molecular consequence: missense variant.
Genome position (GRCh38, 1-based): chr2:96,551,823, C>T. VCF-style: chr2-96551823-C-T. GRCh37 (hg19) VCF-style: chr2-97217560-C-T.
Other names: c.1457C>T, p.Pro486Leu (NM_001319085.2); c.1454C>T, p.Pro485Leu (NM_001319087.2); c.1091C>T, p.Pro364Leu (NM_001319092.1); c.803C>T, p.Pro268Leu (NM_001319093.2, NM_001319094.2, NM_001319096.2); c.1295C>T (NM_212481.1); short protein forms P268L, P364L, P432L, P485L, P486L.
Identifiers: ClinVar variation 2629185 (VCV002629185.2), dbSNP rs376260443, ClinGen allele CA1780819.